The following is an entry in ClinVar:

ClinVar aggregate classification (germline): Uncertain significance (1 of 4 stars; one submission).

Submission:

Labcorp Genetics (formerly Invitae), Labcorp
Classification: Uncertain significance. Last evaluated: 2022-11-23. Review status: criteria provided, single submitter. Criteria: Invitae Variant Classification Sherloc (09022015). Collection method: clinical testing. Allele origin: germline.
Comment: This sequence change replaces threonine, which is neutral and polar, with asparagine, which is neutral and polar, at codon 163 of the ATP6AP1 protein (p.Thr163Asn). In summary, the available evidence is currently insufficient to determine the role of this variant in disease. Therefore, it has been classified as a Variant of Uncertain Significance. Advanced modeling of protein sequence and biophysical properties (such as structural, functional, and spatial information, amino acid conservation, physicochemical variation, residue mobility, and thermodynamic stability) performed at Invitae indicates that this missense variant is not expected to disrupt ATP6AP1 protein function. This variant has not been reported in the literature in individuals affected with ATP6AP1-related conditions. This variant is not present in population databases (gnomAD no frequency).

NM_001183.6(ATP6AP1):c.488C>A (p.Thr163Asn)

Gene: ATP6AP1 (ATPase H+ transporting accessory protein 1; plus strand). Cytogenetic location: Xq28.
Variant type: single nucleotide variant.
Coding change: c.488C>A on transcript NM_001183.6 (MANE Select); coding-DNA position 488, C replaced by A.
Protein change: p.Thr163Asn; replaces threonine 163 with asparagine.
Molecular consequence: missense variant.
Genome position (GRCh38, 1-based): chrX:154,432,390, C>A. VCF-style: chrX-154432390-C-A. GRCh37 (hg19) VCF-style: chrX-153660736-C-A.
Other names: short protein forms T163N.
Identifiers: ClinVar variation 2842160 (VCV002842160.3), dbSNP rs2523017749, ClinGen allele CA415189761.